The following is an entry in ClinVar:

ClinVar aggregate classification (germline): Uncertain significance (1 of 4 stars; one submission).

Conditions:
Hereditary cancer-predisposing syndrome. Also called: Neoplastic Syndromes, Hereditary; Tumor predisposition; Hereditary neoplastic syndrome; Hereditary Cancer Syndrome. Identifiers: Orphanet 140162, MedGen C0027672, MeSH D009386, MONDO:0015356.
Cardiovascular phenotype. Identifiers: MedGen CN230736.

Submission:

Ambry Genetics
Classification: Uncertain significance for Cardiovascular phenotype; Hereditary cancer-predisposing syndrome. Last evaluated: 2018-01-25. Review status: criteria provided, single submitter. Criteria: Ambry Variant Classification Scheme 2023. Collection method: clinical testing. Allele origin: germline.
Comment: The p.H1348Q variant (also known as c.4044T>A), located in coding exon 30 of the NF1 gene, results from a T to A substitution at nucleotide position 4044. The histidine at codon 1348 is replaced by glutamine, an amino acid with highly similar properties. This amino acid position is not well conserved in available vertebrate species. In addition, this alteration is predicted to be tolerated by in silico analysis. Since supporting evidence is limited at this time, the clinical significance of this alteration remains unclear.

NM_001042492.3(NF1):c.4044T>A (p.His1348Gln)

Gene: NF1 (neurofibromin 1; plus strand). Cytogenetic location: 17q11.2.
Variant type: single nucleotide variant.
Coding change: c.4044T>A on transcript NM_001042492.3 (MANE Select); coding-DNA position 4044, T replaced by A.
Protein change: p.His1348Gln; replaces histidine 1348 with glutamine.
Molecular consequence: missense variant.
Genome position (GRCh38, 1-based): chr17:31,249,053, T>A. VCF-style: chr17-31249053-T-A. GRCh37 (hg19) VCF-style: chr17-29576071-T-A.
Other names: c.4044T>A, p.His1348Gln (NM_000267.4); short protein forms H1348Q.
Identifiers: ClinVar variation 824534 (VCV000824534.4), dbSNP rs1315375188, ClinGen allele CA398994962.